The following is an entry in ClinVar:

NM_025114.4(CEP290):c.1862G>C (p.Arg621Thr)

Gene: CEP290 (centrosomal protein 290; minus strand). Cytogenetic location: 12q21.32.
Variant type: single nucleotide variant.
Coding change: c.1862G>C on transcript NM_025114.4 (MANE Select); coding-DNA position 1862, G replaced by C.
Protein change: p.Arg621Thr; replaces arginine 621 with threonine.
Molecular consequence: missense variant.
Genome position (GRCh38, 1-based): chr12:88,115,145, C>G on the plus strand (G>C on the coding strand, the complement: CEP290 is on the minus strand). VCF-style: chr12-88115145-C-G. GRCh37 (hg19) VCF-style: chr12-88508922-C-G.
Other names: short protein forms R621T.
Identifiers: ClinVar variation 2026694 (VCV002026694.4), dbSNP rs2038960989, ClinGen allele CA385977203.

ClinVar aggregate classification (germline): Uncertain significance (1 of 4 stars; one submission).

Conditions:
Joubert syndrome. Also called: CEREBELLOPARENCHYMAL DISORDER IV; JOUBERT-BOLTSHAUSER SYNDROME; Familial aplasia of the vermis. Identifiers: Orphanet 475, MedGen C5979921, MONDO:0018772.
Meckel-Gruber syndrome. Also called: DYSENCEPHALIA SPLANCHNOCYSTICA; GRUBER SYNDROME; Dysencephalia splachnocystica. Identifiers: Orphanet 564, MedGen C0265215, MONDO:0018921.
Nephronophthisis. Also called: Juvenile Nephronophthisis. Identifiers: Orphanet 655, MedGen C0687120, MONDO:0019005, HP:0000090.

Submission:

Labcorp Genetics (formerly Invitae), Labcorp
Classification: Uncertain significance for Joubert syndrome; Meckel-Gruber syndrome; Nephronophthisis. Last evaluated: 2021-12-02. Review status: criteria provided, single submitter. Criteria: Invitae Variant Classification Sherloc (09022015). Collection method: clinical testing. Allele origin: germline.
Comment: In summary, the available evidence is currently insufficient to determine the role of this variant in disease. Therefore, it has been classified as a Variant of Uncertain Significance. Algorithms developed to predict the effect of missense changes on protein structure and function are either unavailable or do not agree on the potential impact of this missense change (SIFT: "Deleterious"; PolyPhen-2: "Benign"; Align-GVGD: "Class C0"). This variant has not been reported in the literature in individuals affected with CEP290-related conditions. This variant is not present in population databases (gnomAD no frequency). This sequence change replaces arginine, which is basic and polar, with threonine, which is neutral and polar, at codon 621 of the CEP290 protein (p.Arg621Thr).